The following is an entry in ClinVar:

NC_000006.11:g.(?_105175968)_(105307795_?)del

Gene: HACE1 (HECT domain and ankyrin repeat containing E3 ubiquitin protein ligase 1; minus strand). Cytogenetic location: 6q16.3.
Variant type: Deletion.
Identifiers: ClinVar variation 3629514 (VCV003629514.2).

ClinVar aggregate classification (germline): Pathogenic (1 of 4 stars; one submission).

Conditions:
Spastic paraplegia-severe developmental delay-epilepsy syndrome. Also called: Spastic paraplegia and psychomotor retardation with or without seizures. Identifiers: Orphanet 464282, MedGen C4225215, MONDO:0014764, OMIM 616756.

Submission:

Women's Health and Genetics/Laboratory Corporation of America, LabCorp
Classification: Pathogenic for Spastic paraplegia-severe developmental delay-epilepsy syndrome. Last evaluated: 2024-11-27. Review status: criteria provided, single submitter. Criteria: LabCorp Variant Classification Summary - May 2015. Collection method: clinical testing. Allele origin: germline.
Comment: Variant summary: The variant involves the deletion of exons 1-24 in the HACE1 gene. A presumed nomenclature of c.(?_-278)_(*1569_?)del has been designated for the purposes of this classification. This deletion includes the entire coding sequence of the gene. As the exact proximal and distal breakpoints are unknown, it may extend beyond the annotated region of the gene to include other flanking genes. The variant was absent in 21694 control chromosomes. A similar deletion including the entire HACE1 coding region has been reported in the literature in the compound heterozygous state in at least 1 individual affected with Spastic Paraplegia-Severe Developmental Delay-Epilepsy Syndrome (example, Kovalskaia_2022). The following publication has been ascertained in the context of this evaluation (PMID: 36553453). ClinVar contains an entry for a similar deletion (Variation ID: 1460183). Based on the evidence outlined above, the variant was classified as pathogenic.

Literature cited by the submitters: PubMed 36553453.